The following is an entry in ClinVar:

NC_000009.11:g.(?_131085138)_(131085446_?)dup

Gene: COQ4 (coenzyme Q4; plus strand). Cytogenetic location: 9q34.11.
Variant type: Duplication.
Identifiers: ClinVar variation 2426261 (VCV002426261.4).

ClinVar aggregate classification (germline): Uncertain significance (1 of 4 stars; one submission).

Conditions:
Neonatal encephalomyopathy-cardiomyopathy-respiratory distress syndrome. Also called: Coenzyme Q10 deficiency, primary, 7. Identifiers: Orphanet 457185, MedGen C5568562, MONDO:0014562, OMIM 616276.

Submission:

Labcorp Genetics (formerly Invitae), Labcorp
Classification: Uncertain significance for Neonatal encephalomyopathy-cardiomyopathy-respiratory distress syndrome. Last evaluated: 2023-06-29. Review status: criteria provided, single submitter. Criteria: Invitae Variant Classification Sherloc (09022015). Collection method: clinical testing. Allele origin: germline.
Comment: In summary, the available evidence is currently insufficient to determine the role of this variant in disease. Therefore, it has been classified as a Variant of Uncertain Significance. Experimental studies and prediction algorithms are not available or were not evaluated, and the functional significance of this variant is currently unknown. This variant has not been reported in the literature in individuals affected with COQ4-related conditions. This variant results in a copy number gain of the genomic region encompassing exon(s) 1-2 of the COQ4 gene. This region includes the initiator codon of the gene. This copy number gain extends beyond the assayed region for this gene and therefore may encompass additional genes. As the precise location of this event is unknown, it may be in tandem or it may be located elsewhere in the genome.